The following is an entry in ClinVar:

ClinVar aggregate classification (germline): Pathogenic (1 of 4 stars; one submission).

Conditions:
Hereditary spastic paraplegia 11. Also called: Spastic paraplegia, mental retardation and thin corpus callosum; SPASTIC PARAPLEGIA, AUTOSOMAL RECESSIVE, COMPLICATED, WITH THIN CORPUS CALLOSUM; SPASTIC PARAPLEGIA, AUTOSOMAL RECESSIVE, WITH MENTAL IMPAIRMENT AND THIN CORPUS CALLOSUM; Spastic Paraplegia 11; Nakamura Osame syndrome; Autosomal recessive hereditary spastic paraplegia, mental impairment, and thin corpus callosum. Identifiers: Orphanet 2822, MedGen C1858479, MONDO:0011445, OMIM 604360.

Submission:

Labcorp Genetics (formerly Invitae), Labcorp
Classification: Pathogenic for Hereditary spastic paraplegia 11. Last evaluated: 2024-12-30. Review status: criteria provided, single submitter. Criteria: Invitae Variant Classification Sherloc (09022015). Collection method: clinical testing. Allele origin: germline.
Comment: This sequence change creates a premature translational stop signal (p.Gln1055Argfs*10) in the SPG11 gene. It is expected to result in an absent or disrupted protein product. Loss-of-function variants in SPG11 are known to be pathogenic (PMID: 19105190, 20110243, 22154821, 26556829). This variant is not present in population databases (gnomAD no frequency). This variant has not been reported in the literature in individuals affected with SPG11-related conditions. For these reasons, this variant has been classified as Pathogenic.

Literature cited by the submitters: PubMed 19105190; PubMed 20110243; PubMed 22154821; PubMed 26556829.

NM_025137.4(SPG11):c.3164del (p.Gln1055fs)

Gene: SPG11 (SPG11 vesicle trafficking associated, spatacsin; minus strand). Cytogenetic location: 15q21.1.
Variant type: Deletion.
Coding change: c.3164del on transcript NM_025137.4 (MANE Select); coding-DNA position 3164, one base deleted (A; older notation c.3164delA).
Protein change: p.Gln1055fs; shifts the reading frame from glutamine 1055.
Molecular consequence: frameshift variant.
Genome position (GRCh38, 1-based): chr15:44,610,967, T deleted on the plus strand (A on the coding strand, the reverse complement: SPG11 is on the minus strand). VCF-style (leftmost placement, unchanged base first): chr15-44610966-CT-C. GRCh37 (hg19) VCF-style: chr15-44903164-CT-C.
Other names: c.3164del, p.Gln1055fs (NM_001160227.2, NM_001411132.1); short protein forms Q1055fs.
Identifiers: ClinVar variation 3691895 (VCV003691895.2).